The following is an entry in ClinVar:

ClinVar aggregate classification (germline): Pathogenic (1 of 4 stars; one submission).

Submission:

GeneDx
Classification: Pathogenic. Last evaluated: 2024-10-14. Review status: criteria provided, single submitter. Criteria: GeneDx Variant Classification Process June 2021. Collection method: clinical testing. Allele origin: germline. Affected: yes.
Comment: Reported previously in a patient with focal epilepsy; detailed clinical information and segregation unavailable (PMID: 28102150); Frameshift variant predicted to result in protein truncation or nonsense mediated decay in a gene for which loss of function is a known mechanism of disease; Not observed at significant frequency in large population cohorts (gnomAD); This variant is associated with the following publications: (PMID: 28102150)

NM_001242896.3(DEPDC5):c.1133dup (p.Leu379fs)

Gene: DEPDC5 (DEP domain containing 5, GATOR1 subcomplex subunit; plus strand). Cytogenetic location: 22q12.3.
Variant type: Duplication.
Coding change: c.1133dup on transcript NM_001242896.3 (MANE Select); coding-DNA position 1133, one base duplicated (C; older notation c.1133dupC).
Protein change: p.Leu379fs; shifts the reading frame from leucine 379.
Molecular consequence: frameshift variant. On other transcripts: non-coding transcript variant (5).
Genome position (GRCh38, 1-based): chr22:31,804,213, C duplicated; the last of 3 consecutive C bases (chr22:31,804,211-31,804,213); duplicating any one gives the same sequence. VCF-style (leftmost placement, unchanged base first): chr22-31804210-T-TC. GRCh37 (hg19) VCF-style: chr22-32200196-T-TC.
Other names: c.1133dup, p.Leu379fs (NM_001007188.4, NM_001136029.4, NM_001242897.2 and 7 more transcripts); c.1049dup, p.Leu351fs (NM_001369901.1, NM_001369902.1); short protein forms L351fs, L379fs.
Identifiers: ClinVar variation 3777304 (VCV003777304.1).